The following is an entry in ClinVar:

NM_001166108.2(PALLD):c.233A>G (p.His78Arg)

Gene: PALLD (palladin, cytoskeletal associated protein; plus strand). Cytogenetic location: 4q32.3.
Variant type: single nucleotide variant.
Coding change: c.233A>G on transcript NM_001166108.2 (MANE Select); coding-DNA position 233, A replaced by G.
Protein change: p.His78Arg; replaces histidine 78 with arginine.
Molecular consequence: missense variant.
Genome position (GRCh38, 1-based): chr4:168,511,737, A>G. VCF-style: chr4-168511737-A-G. GRCh37 (hg19) VCF-style: chr4-169432888-A-G.
Other names: c.233A>G, p.His78Arg (NM_016081.4); short protein forms H78R.
Identifiers: ClinVar variation 1789827 (VCV001789827.2), dbSNP rs1166653869, ClinGen allele CA358725084.
Genomic context (GRCh38, chr4:168,511,737, plus strand): 5'-TTGACTCGGAAAAGGAGATCTCGCAGATTTTCAGTACTTCTCCTGCAAGCCTCTGTGAAC[A>G]TCCTTCCCATAAGGAGACCAAATTGGGTGAACACGCCTCGAGGAGACCTCAGGATAACAG-3'
Protein context (NP_001159580.1, residues 68-88): FSTSPASLCE[His78Arg]PSHKETKLGE

ClinVar aggregate classification (germline): Uncertain significance (1 of 4 stars; one submission).

Allele frequency attached by ClinVar (database versions not stated): gnomAD exomes below 0.00001.
gnomAD v4.1: 2 of 1,614,180 alleles (0.00012%); highest among the groups gnomAD compares: Non-Finnish European, 0.00017%; no homozygotes.

Submission:

Ambry Genetics
Classification: Uncertain significance. Last evaluated: 2022-08-07. Review status: criteria provided, single submitter. Criteria: Ambry Variant Classification Scheme 2023. Collection method: clinical testing. Allele origin: germline.
Comment: The p.H78R variant (also known as c.233A>G), located in coding exon 1 of the PALLD gene, results from an A to G substitution at nucleotide position 233. The histidine at codon 78 is replaced by arginine, an amino acid with highly similar properties. This amino acid position is conserved. In addition, this alteration is predicted to be tolerated by in silico analysis. Since supporting evidence is limited at this time, the clinical significance of this alteration remains unclear.